The following is an entry in ClinVar:

ClinVar aggregate classification (germline): Benign/Likely benign. Review status: criteria provided, multiple submitters, no conflicts (2 of 4 stars). 4 submissions from 4 submitters: Benign (1); Likely benign (3). Last evaluated 2026-04-16.

Conditions:
Hereditary diffuse gastric adenocarcinoma (HDGC). Also called: DIFFUSE GASTRIC AND LOBULAR BREAST CANCER SYNDROME. Identifiers: Orphanet 26106, MedGen C1708349, MONDO:0007648, OMIM 137215.
Hereditary cancer-predisposing syndrome. Also called: Hereditary Cancer Syndrome; Hereditary neoplastic syndrome; Tumor predisposition; Neoplastic Syndromes, Hereditary. Identifiers: Orphanet 140162, MedGen C0027672, MeSH D009386, MONDO:0015356.

Allele frequency attached by ClinVar (database versions not stated): gnomAD exomes below 0.00001.
gnomAD v4.1: 1 of 1,614,222 alleles (0.000062%); highest among the groups gnomAD compares: Middle Eastern, 0.016%; no homozygotes.

Submissions (4):

Women's Health and Genetics/Laboratory Corporation of America, LabCorp
Classification: Likely benign. Last evaluated: 2026-04-16. Review status: criteria provided, single submitter. Criteria: LabCorp Variant Classification Summary - May 2015. Collection method: clinical testing. Allele origin: germline.

Myriad Genetics, Inc.
Classification: Benign for Hereditary diffuse gastric adenocarcinoma. Last evaluated: 2024-09-18. Review status: criteria provided, single submitter. Criteria: Myriad Autosomal Dominant, Autosomal Recessive and X-Linked Classification Criteria (2023). Collection method: clinical testing. Allele origin: unknown.
Comment: This variant is considered benign. This variant is a silent/synonymous amino acid change and it is not expected to impact splicing.

Labcorp Genetics (formerly Invitae), Labcorp
Classification: Likely benign for Hereditary diffuse gastric adenocarcinoma. Last evaluated: 2024-08-28. Review status: criteria provided, single submitter. Criteria: Invitae Variant Classification Sherloc (09022015). Collection method: clinical testing. Allele origin: germline.

Ambry Genetics
Classification: Likely benign for Hereditary cancer-predisposing syndrome. Last evaluated: 2022-02-03. Review status: criteria provided, single submitter. Criteria: Ambry Variant Classification Scheme 2023. Collection method: clinical testing. Allele origin: germline.

NM_004360.5(CDH1):c.1419C>T (p.Val473=)

Gene: CDH1 (cadherin 1; plus strand). Cytogenetic location: 16q22.1.
Variant type: single nucleotide variant.
Coding change: c.1419C>T on transcript NM_004360.5 (MANE Select); coding-DNA position 1419, C replaced by T.
Protein change: p.Val473=; no amino-acid change (valine 473 retained).
Molecular consequence: synonymous variant. On other transcripts: 5 prime UTR variant (2).
Genome position (GRCh38, 1-based): chr16:68,815,613, C>T. VCF-style: chr16-68815613-C-T. GRCh37 (hg19) VCF-style: chr16-68849516-C-T.
Other names: c.1236C>T, p.Val412= (NM_001317184.2); c.-130C>T (NM_001317185.2); c.-401C>T (NM_001317186.2).
Identifiers: ClinVar variation 704944 (VCV000704944.15), dbSNP rs1597897961, ClinGen allele CA496154001.